The following is an entry in ClinVar:

NM_001690.4(ATP6V1A):c.751G>T (p.Ala251Ser)

Gene: ATP6V1A (ATPase H+ transporting V1 subunit A; plus strand). Cytogenetic location: 3q13.31.
Variant type: single nucleotide variant.
Coding change: c.751G>T on transcript NM_001690.4 (MANE Select); coding-DNA position 751, G replaced by T.
Protein change: p.Ala251Ser; replaces alanine 251 with serine.
Molecular consequence: missense variant.
Genome position (GRCh38, 1-based): chr3:113,788,747, G>T. VCF-style: chr3-113788747-G-T. GRCh37 (hg19) VCF-style: chr3-113507594-G-T.
Other names: short protein forms A251S.
Identifiers: ClinVar variation 4975589 (VCV004975589.1).
Genomic context (GRCh38, chr3:113,788,747, plus strand): 5'-ATCCATACTTTGTTTTCTTTGTTTAGGTGTGTCCAGGGAGGAACTACTGCTATCCCTGGA[G>T]CCTTTGGCTGTGGAAAGACAGTGATATCACAGTCTCTATCCAAGTATTCTAACAGTGATG-3'
Protein context (NP_001681.2, residues 241-261): VQGGTTAIPG[Ala251Ser]FGCGKTVISQ

ClinVar aggregate classification (germline): Uncertain significance (1 of 4 stars; one submission).

Submission:

GeneDx
Classification: Uncertain significance. Last evaluated: 2026-02-02. Review status: criteria provided, single submitter. Criteria: GeneDx Variant Classification Process June 2021. Collection method: clinical testing. Allele origin: germline.
Comment: Not observed at significant frequency in large population cohorts (gnomAD); In silico analysis supports that this missense variant has a deleterious effect on protein structure/function; Has not been previously published as pathogenic or benign to our knowledge